The following is an entry in ClinVar:

ClinVar aggregate classification (germline): Likely benign. Review status: criteria provided, multiple submitters, no conflicts (2 of 4 stars). 2 submissions from 2 submitters: Likely benign (2). Last evaluated 2026-09-01.

Conditions:
LAMA2-related muscular dystrophy (LAMA2-RD). Also called: Laminin alpha 2-related dystrophy. Identifiers: MedGen C5679788, MONDO:0100228.

Submissions (2):

CeGaT Center for Human Genetics Tuebingen
Classification: Likely benign. Last evaluated: 2026-09-01. Review status: criteria provided, single submitter. Criteria: CeGaT Center For Human Genetics Tuebingen Variant Classification Criteria Version 2. Collection method: clinical testing. Allele origin: germline. Affected: yes. Observed: 1 variant allele.
Comment: LAMA2: PM2:Supporting, BP4, BP7

Labcorp Genetics (formerly Invitae), Labcorp
Classification: Likely benign for LAMA2-related muscular dystrophy. Last evaluated: 2024-04-10. Review status: criteria provided, single submitter. Criteria: Invitae Variant Classification Sherloc (09022015). Collection method: clinical testing. Allele origin: germline.

NM_000426.4(LAMA2):c.4332T>C (p.Ala1444=)

Gene: LAMA2 (laminin subunit alpha 2; plus strand). Cytogenetic location: 6q22.33.
Variant type: single nucleotide variant.
Coding change: c.4332T>C on transcript NM_000426.4 (MANE Select); coding-DNA position 4332, T replaced by C.
Protein change: p.Ala1444=; no amino-acid change (alanine 1444 retained).
Molecular consequence: synonymous variant.
Genome position (GRCh38, 1-based): chr6:129,342,363, T>C. VCF-style: chr6-129342363-T-C. GRCh37 (hg19) VCF-style: chr6-129663508-T-C.
Other names: c.4332T>C, p.Ala1444= (NM_001079823.2).
Identifiers: ClinVar variation 1652859 (VCV001652859.9), dbSNP rs1029145430, ClinGen allele CA146901590.
Genomic context (GRCh38, chr6:129,342,363, plus strand): 5'-CTAAATTAAAAACAAACTTCTTCTCCCTTTTCCTTTACAGAATTGTCAACATCACACTGC[T>C]GGTGACTTCTGTGAACGATGTGCTCTTGGATACTATGGAATTGTCAAGGGATTGCCAAAT-3'
Protein context (NP_000417.3, residues 1434-1454): SICQNCQHHT[Ala1444=]GDFCERCALG